The following is an entry in ClinVar:

ClinVar aggregate classification (germline): Uncertain significance (1 of 4 stars; one submission).

Submission:

Labcorp Genetics (formerly Invitae), Labcorp
Classification: Uncertain significance. Last evaluated: 2025-09-16. Review status: criteria provided, single submitter. Criteria: Invitae Variant Classification Sherloc (09022015). Collection method: clinical testing. Allele origin: germline.
Comment: This sequence change affects codon 444 of the FOXC2 mRNA. It is a 'silent' change, meaning that it does not change the encoded amino acid sequence of the FOXC2 protein. This variant is not present in population databases (gnomAD no frequency). This variant has not been reported in the literature in individuals affected with FOXC2-related conditions. In summary, the available evidence is currently insufficient to determine the role of this variant in disease. Therefore, it has been classified as a Variant of Uncertain Significance.

NM_005251.3(FOXC2):c.1332G>A (p.Gln444=)

Gene: FOXC2 (forkhead box C2; plus strand). Cytogenetic location: 16q24.1.
Variant type: single nucleotide variant.
Coding change: c.1332G>A on transcript NM_005251.3 (MANE Select); coding-DNA position 1332, G replaced by A.
Protein change: p.Gln444=; no amino-acid change (glutamine 444 retained).
Molecular consequence: synonymous variant.
Genome position (GRCh38, 1-based): chr16:86,568,667, G>A. VCF-style: chr16-86568667-G-A. GRCh37 (hg19) VCF-style: chr16-86602273-G-A.
Identifiers: ClinVar variation 4714059 (VCV004714059.1).